The following is an entry in ClinVar:

NM_021224.6(ZNF462):c.1405G>C (p.Val469Leu)

Gene: ZNF462 (zinc finger protein 462; plus strand). Cytogenetic location: 9q31.2.
Variant type: single nucleotide variant.
Coding change: c.1405G>C on transcript NM_021224.6 (MANE Select); coding-DNA position 1405, G replaced by C.
Protein change: p.Val469Leu; replaces valine 469 with leucine.
Molecular consequence: missense variant.
Genome position (GRCh38, 1-based): chr9:106,925,317, G>C. VCF-style: chr9-106925317-G-C. GRCh37 (hg19) VCF-style: chr9-109687598-G-C.
Other names: c.1405G>C, p.Val469Leu (NM_001347997.2); short protein forms V469L.
Identifiers: ClinVar variation 4057107 (VCV004057107.1).
Genomic context (GRCh38, chr9:106,925,317, plus strand): 5'-ATGCATCGACGTAGCATCTCTCGTCACATAGAAAACATCCACTTATCTGGAAAGACAGCT[G>C]TCTACAAATGTGACGAATGTCCGTTTACTTGCAAGAGCTCGTTGAAACTTGGGGCTCACA-3'
Protein context (NP_067047.4, residues 459-479): ENIHLSGKTA[Val469Leu]YKCDECPFTC

ClinVar aggregate classification (germline): Uncertain significance (1 of 4 stars; one submission).

Submission:

GeneDx
Classification: Uncertain significance. Last evaluated: 2025-01-08. Review status: criteria provided, single submitter. Criteria: GeneDx Variant Classification Process June 2021. Collection method: clinical testing. Allele origin: germline. Affected: yes.
Comment: Not observed at significant frequency in large population cohorts (gnomAD); In silico analysis indicates that this missense variant does not alter protein structure/function; Has not been previously published as pathogenic or benign to our knowledge